The following is an entry in ClinVar:

NM_006017.3(PROM1):c.1147A>G (p.Lys383Glu)

Gene: PROM1 (prominin 1; minus strand). Cytogenetic location: 4p15.32.
Variant type: single nucleotide variant.
Coding change: c.1147A>G on transcript NM_006017.3 (MANE Select); coding-DNA position 1147, A replaced by G.
Protein change: p.Lys383Glu; replaces lysine 383 with glutamic acid.
Molecular consequence: missense variant.
Genome position (GRCh38, 1-based): chr4:16,009,103, T>C on the plus strand (A>G on the coding strand, the complement: PROM1 is on the minus strand). VCF-style: chr4-16009103-T-C. GRCh37 (hg19) VCF-style: chr4-16010726-T-C.
Other names: c.1120A>G, p.Lys374Glu (NM_001145847.2, NM_001145848.2, NM_001145851.2 and 4 more transcripts); c.1147A>G, p.Lys383Glu (NM_001145849.2, NM_001145850.2); short protein forms K383E, K374E.
Identifiers: ClinVar variation 1465511 (VCV001465511.8), dbSNP rs765104872, ClinGen allele CA2866848.

ClinVar aggregate classification (germline): Uncertain significance (1 of 4 stars; one submission).

Allele frequency attached by ClinVar (database versions not stated): gnomAD exomes below 0.00001 and 0.00001; ExAC 0.00001; TOPMed 0.00001.
gnomAD v4.1: 5 of 1,612,420 alleles (0.00031%); highest among the groups gnomAD compares: Non-Finnish European, 0.00034%; no homozygotes.

Submission:

Labcorp Genetics (formerly Invitae), Labcorp
Classification: Uncertain significance. Last evaluated: 2024-09-06. Review status: criteria provided, single submitter. Criteria: Invitae Variant Classification Sherloc (09022015). Collection method: clinical testing. Allele origin: germline.
Comment: This sequence change replaces lysine, which is basic and polar, with glutamic acid, which is acidic and polar, at codon 383 of the PROM1 protein (p.Lys383Glu). This variant is present in population databases (rs765104872, gnomAD 0.0009%). This variant has not been reported in the literature in individuals affected with PROM1-related conditions. ClinVar contains an entry for this variant (Variation ID: 1465511). Invitae Evidence Modeling of protein sequence and biophysical properties (such as structural, functional, and spatial information, amino acid conservation, physicochemical variation, residue mobility, and thermodynamic stability) has been performed for this missense variant. However, the output from this modeling did not meet the statistical confidence thresholds required to predict the impact of this variant on PROM1 protein function. In summary, the available evidence is currently insufficient to determine the role of this variant in disease. Therefore, it has been classified as a Variant of Uncertain Significance.